The following is an entry in ClinVar:

ClinVar aggregate classification (germline): Uncertain significance (1 of 4 stars; one submission).

Conditions:
Leigh syndrome (NULS). Also called: Leigh's necrotizing encephalopathy; Leigh's disease; Leigh's syndrome; LEIGH SYNDROME, NUCLEAR; Leigh Syndrome (mtDNA deletion); Leigh Disease. Identifiers: Orphanet 506, MedGen C2931891, MONDO:0009723, OMIM 256000.

Submission:

Wong Mito Lab, Molecular and Human Genetics, Baylor College of Medicine
Classification: Uncertain significance for Leigh syndrome. Last evaluated: 2019-10-17. Review status: criteria provided, single submitter. Criteria: Modified ACMG Guidelines (Unpublished). Collection method: clinical testing. Allele origin: germline.
Comment: The NC_012920.1:m.14748T>C (YP_003024038.1:p.Met1?) variant in MTCYB gene is interpretated to be a Uncertain Significance variant based on the modified ACMG guidelines (unpublished). This variant meets the following evidence codes: PP3, PP7

NC_012920.1(MT-CYB):m.14748T>C

Gene: MT-CYB (mitochondrially encoded cytochrome b; plus strand).
Variant type: single nucleotide variant.
Genome position: chrM-14748-T-C.
Identifiers: ClinVar variation 693753 (VCV000693753.1), dbSNP rs1603224852, ClinGen allele CA913171980.